The following is an entry in ClinVar:

ClinVar aggregate classification (germline): Benign (1 of 4 stars; one submission).

Allele frequency attached by ClinVar (database versions not stated): TOPMed 0.02215; 1000 Genomes Project 0.02216; 1000 Genomes Project 30x 0.02217; gnomAD 0.03684 and 0.03915.
gnomAD v4.1: 2,901 of 79,372 alleles (3.7%); highest among the groups gnomAD compares: African/African-American, 11%; 99 homozygotes.

Submission:

GeneDx
Classification: Benign. Last evaluated: 2018-06-16. Review status: criteria provided, single submitter. Criteria: GeneDx Variant Classification (06012015). Collection method: clinical testing. Allele origin: germline. Affected: yes.
Comment: This variant is considered likely benign or benign based on one or more of the following criteria: it is a conservative change, it occurs at a poorly conserved position in the protein, it is predicted to be benign by multiple in silico algorithms, and/or has population frequency not consistent with disease.

NM_014244.5(ADAMTS2):c.2209+193T>C

Gene: ADAMTS2 (ADAM metallopeptidase with thrombospondin type 1 motif 2; minus strand). Cytogenetic location: 5q35.3.
Variant type: single nucleotide variant.
Coding change: c.2209+193T>C on transcript NM_014244.5 (MANE Select); 193 bases into the intron after coding-DNA position 2209, T replaced by C.
Molecular consequence: intron variant.
Genome position (GRCh38, 1-based): chr5:179,132,584, A>G on the plus strand (T>C on the coding strand, the complement: ADAMTS2 is on the minus strand). VCF-style: chr5-179132584-A-G. GRCh37 (hg19) VCF-style: chr5-178559585-A-G.
Identifiers: ClinVar variation 678486 (VCV000678486.1), dbSNP rs57498810, ClinGen allele CA133034579.